The following is an entry in ClinVar:

NM_001330691.3(CEP78):c.103C>T (p.Arg35Cys)

Gene: CEP78 (centrosomal protein 78; plus strand). Cytogenetic location: 9q21.2.
Variant type: single nucleotide variant.
Coding change: c.103C>T on transcript NM_001330691.3 (MANE Select); coding-DNA position 103, C replaced by T.
Protein change: p.Arg35Cys; replaces arginine 35 with cysteine.
Molecular consequence: missense variant.
Genome position (GRCh38, 1-based): chr9:78,236,453, C>T. VCF-style: chr9-78236453-C-T. GRCh37 (hg19) VCF-style: chr9-80851369-C-T.
Other names: c.103C>T, p.Arg35Cys (NM_001098802.3, NM_001330693.3, NM_001330694.2 and 4 more transcripts); short protein forms R35C.
Identifiers: ClinVar variation 667093 (VCV000667093.19), dbSNP rs200483715, ClinGen allele CA5094807.

ClinVar aggregate classification (germline): Likely benign. Review status: criteria provided, multiple submitters, no conflicts (2 of 4 stars). 4 submissions from 4 submitters: Likely benign (3). 1 of the submissions does not count toward it. Last evaluated 2026-01-24.

Conditions:
CEP78-related disorder. Also called: CEP78-related condition.

Allele frequency attached by ClinVar (database versions not stated): gnomAD exomes 0.00022; ExAC 0.00040; gnomAD 0.00117 and 0.00128; TOPMed 0.00121; ESP Exome Variant Server 0.00131; 1000 Genomes Project 0.00140; 1000 Genomes Project 30x 0.00141.
gnomAD v4.1: 334 of 1,604,702 alleles (0.021%); highest among the groups gnomAD compares: African/African-American, 0.35%; no homozygotes.

Submissions (4):

Labcorp Genetics (formerly Invitae), Labcorp
Classification: Likely benign. Last evaluated: 2026-01-24. Review status: criteria provided, single submitter. Criteria: Invitae Variant Classification Sherloc (09022015). Collection method: clinical testing. Allele origin: germline.

Blueprint Genetics
Classification: Likely benign. Last evaluated: 2024-07-24. Review status: criteria provided, single submitter. Criteria: ACMG Guidelines, 2015. Collection method: clinical testing. Allele origin: germline.

Laboratory for Molecular Medicine, Mass General Brigham Personalized Medicine
Classification: Likely benign. Last evaluated: 2019-03-05. Review status: criteria provided, single submitter. Criteria: LMM Criteria. Collection method: clinical testing. Allele origin: germline. Observed: 1 variant allele.
Comment: The p.Arg35Cys variant in CEP78 is classified as likely benign because it has been identified in 0.3% (71/21770) of African chromosomes by gnomAD. ACMG/AMP Criteria applied: BS1.

PreventionGenetics, part of Exact Sciences
Classification: Likely benign for CEP78-related condition. Last evaluated: 2023-09-22. Review status: no assertion criteria provided. Collection method: clinical testing. Allele origin: germline. Not counted in ClinVar's aggregate classification.
Comment: This variant is classified as likely benign based on ACMG/AMP sequence variant interpretation guidelines (Richards et al. 2015 PMID: 25741868, with internal and published modifications).